The following is an entry in ClinVar:

NM_002474.3(MYH11):c.3166C>G (p.Leu1056Val)

Gene: MYH11 (myosin heavy chain 11; minus strand). Cytogenetic location: 16p13.11.
Variant type: single nucleotide variant.
Coding change: c.3166C>G on transcript NM_002474.3 (MANE Select); coding-DNA position 3166, C replaced by G.
Protein change: p.Leu1056Val; replaces leucine 1056 with valine.
Molecular consequence: missense variant.
Genome position (GRCh38, 1-based): chr16:15,737,576, G>C on the plus strand (C>G on the coding strand, the complement: MYH11 is on the minus strand). VCF-style: chr16-15737576-G-C. GRCh37 (hg19) VCF-style: chr16-15831433-G-C.
Other names: c.3187C>G, p.Leu1063Val (NM_001040113.2, NM_001040114.2); c.3166C>G, p.Leu1056Val (NM_022844.3); short protein forms L1063V, L1056V.
Identifiers: ClinVar variation 925723 (VCV000925723.4), dbSNP rs2041157922, ClinGen allele CA394863239.
Genomic context (GRCh38, chr16:15,737,576, plus strand): 5'-CCTGGAGGTCAGCGATCTGCTCGTGGAAGTCGCTGGCATCACCCTCCAGCTTCCGTTTCA[G>C]CTTCTCCAGCTCCTGTCGGCTCTTCTCTTCCTTCTTTAGCCGCACTGCAAAAACCAAGGT-3'
Protein context (NP_002465.1, residues 1046-1066): EEKSRQELEK[Leu1056Val]KRKLEGDASD

ClinVar aggregate classification (germline): Uncertain significance (1 of 4 stars; one submission).

Conditions:
Familial thoracic aortic aneurysm and aortic dissection (TAAD). Also called: Thoracic aortic aneurysms and dissections. Identifiers: Orphanet 91387, MedGen C4707243, MONDO:0019625.

Submission:

Color Diagnostics, LLC DBA Color Health
Classification: Uncertain significance for Familial thoracic aortic aneurysm and aortic dissection. Last evaluated: 2024-03-06. Review status: criteria provided, single submitter. Criteria: ACMG Guidelines, 2015. Collection method: clinical testing. Allele origin: germline.
Comment: This missense variant replaces leucine with valine at codon 1063 of the MYH11 protein. Computational prediction tool suggests that this variant may not impact protein structure and function (internally defined REVEL score threshold <=0.5, PMID: 27666373). Splice site prediction tools suggest that this variant may not impact RNA splicing. To our knowledge, functional studies have not been performed for this variant. This variant has not been reported in individuals affected with cardiovascular disorders in the literature. This variant has not been identified in the general population by the Genome Aggregation Database (gnomAD). The available evidence is insufficient to determine the role of this variant in disease conclusively. Therefore, this variant is classified as a Variant of Uncertain Significance.